The following is an entry in ClinVar:

NM_006612.6(KIF1C):c.1140G>C (p.Gln380His)

Gene: KIF1C (kinesin family member 1C; plus strand). Cytogenetic location: 17p13.2.
Variant type: single nucleotide variant.
Coding change: c.1140G>C on transcript NM_006612.6 (MANE Select); coding-DNA position 1140, G replaced by C.
Protein change: p.Gln380His; replaces glutamine 380 with histidine.
Molecular consequence: missense variant.
Genome position (GRCh38, 1-based): chr17:5,004,975, G>C. VCF-style: chr17-5004975-G-C. GRCh37 (hg19) VCF-style: chr17-4908270-G-C.
Other names: short protein forms Q380H.
Identifiers: ClinVar variation 2099008 (VCV002099008.12), dbSNP rs2508153677, ClinGen allele CA397348291.

ClinVar aggregate classification (germline): Uncertain significance. Review status: criteria provided, multiple submitters, no conflicts (2 of 4 stars). 2 submissions from 2 submitters: Uncertain significance (2). Last evaluated 2025-07-01.

Conditions:
Spastic ataxia 2. Also called: Ataxia, spastic, 2, autosomal recessive. Identifiers: Orphanet 397946, MedGen C1969796, MONDO:0012651, OMIM 611302.

Submissions (2):

CeGaT Center for Human Genetics Tuebingen
Classification: Uncertain significance. Last evaluated: 2025-07-01. Review status: criteria provided, single submitter. Criteria: CeGaT Center For Human Genetics Tuebingen Variant Classification Criteria Version 2. Collection method: clinical testing. Allele origin: germline. Affected: yes. Observed: 1 variant allele.
Comment: KIF1C: PM2

Labcorp Genetics (formerly Invitae), Labcorp
Classification: Uncertain significance for Spastic ataxia 2. Last evaluated: 2024-01-29. Review status: criteria provided, single submitter. Criteria: Invitae Variant Classification Sherloc (09022015). Collection method: clinical testing. Allele origin: germline.
Comment: This sequence change replaces glutamine, which is neutral and polar, with histidine, which is basic and polar, at codon 380 of the KIF1C protein (p.Gln380His). This variant is not present in population databases (gnomAD no frequency). This variant has not been reported in the literature in individuals affected with KIF1C-related conditions. ClinVar contains an entry for this variant (Variation ID: 2099008). Advanced modeling of protein sequence and biophysical properties (such as structural, functional, and spatial information, amino acid conservation, physicochemical variation, residue mobility, and thermodynamic stability) performed at Invitae indicates that this missense variant is not expected to disrupt KIF1C protein function with a negative predictive value of 80%. In summary, the available evidence is currently insufficient to determine the role of this variant in disease. Therefore, it has been classified as a Variant of Uncertain Significance.